The following is an entry in ClinVar:

ClinVar aggregate classification (germline): Uncertain significance. Review status: criteria provided, multiple submitters, no conflicts (2 of 4 stars). 2 submissions from 2 submitters: Uncertain significance (2). Last evaluated 2022-06-20.

Conditions:
Congenital myasthenic syndrome 17. Identifiers: Orphanet 590, MedGen C4225377, MONDO:0014578, OMIM 616304.
Sclerosteosis 2 (SOST2). Identifiers: Orphanet 3152, MedGen C3280402, MONDO:0013679, OMIM 614305.
Cenani-Lenz syndactyly syndrome. Also called: CENANI SYNDACTYLISM; SYNDACTYLY, TYPE VII. Identifiers: Orphanet 3258, MedGen C1859309, MONDO:0008931, OMIM 212780.

Allele frequency attached by ClinVar (database versions not stated): TOPMed 0.00001; gnomAD exomes 0.00002 and 0.00004; gnomAD 0.00003.
gnomAD v4.1: 29 of 1,613,982 alleles (0.0018%); highest among the groups gnomAD compares: Middle Eastern, 0.016%; no homozygotes.

Submissions (2):

Labcorp Genetics (formerly Invitae), Labcorp
Classification: Uncertain significance for Cenani-Lenz syndactyly syndrome; Sclerosteosis 2; Congenital myasthenic syndrome 17. Last evaluated: 2022-06-20. Review status: criteria provided, single submitter. Criteria: Invitae Variant Classification Sherloc (09022015). Collection method: clinical testing. Allele origin: germline.
Comment: This variant is present in population databases (no rsID available, gnomAD 0.04%). This sequence change replaces glycine, which is neutral and non-polar, with arginine, which is basic and polar, at codon 609 of the LRP4 protein (p.Gly609Arg). In summary, the available evidence is currently insufficient to determine the role of this variant in disease. Therefore, it has been classified as a Variant of Uncertain Significance. Algorithms developed to predict the effect of sequence changes on RNA splicing suggest that this variant may create or strengthen a splice site. Algorithms developed to predict the effect of missense changes on protein structure and function are either unavailable or do not agree on the potential impact of this missense change (SIFT: "Deleterious"; PolyPhen-2: "Benign"; Align-GVGD: "Class C65"). This variant has not been reported in the literature in individuals affected with LRP4-related conditions.

Revvity Omics, Revvity
Classification: Uncertain significance. Last evaluated: 2022-04-28. Review status: criteria provided, single submitter. Criteria: ACMG Guidelines, 2015. Collection method: clinical testing. Allele origin: germline.

NM_002334.4(LRP4):c.1825G>A (p.Gly609Arg)

Gene: LRP4 (LDL receptor related protein 4; minus strand). Cytogenetic location: 11p11.2.
Variant type: single nucleotide variant.
Coding change: c.1825G>A on transcript NM_002334.4 (MANE Select); coding-DNA position 1825, G replaced by A.
Protein change: p.Gly609Arg; replaces glycine 609 with arginine.
Molecular consequence: missense variant.
Genome position (GRCh38, 1-based): chr11:46,890,367, C>T on the plus strand (G>A on the coding strand, the complement: LRP4 is on the minus strand). VCF-style: chr11-46890367-C-T. GRCh37 (hg19) VCF-style: chr11-46911918-C-T.
Other names: short protein forms G609R.
Identifiers: ClinVar variation 1446633 (VCV001446633.8), dbSNP rs1389594811, ClinGen allele CA380282751.